The following is an entry in ClinVar:

NM_182914.3(SYNE2):c.18031G>A (p.Gly6011Arg)

Gene: SYNE2 (spectrin repeat containing nuclear envelope protein 2; plus strand). Cytogenetic location: 14q23.2.
Variant type: single nucleotide variant.
Coding change: c.18031G>A on transcript NM_182914.3 (MANE Select); coding-DNA position 18031, G replaced by A.
Protein change: p.Gly6011Arg; replaces glycine 6011 with arginine.
Molecular consequence: missense variant.
Genome position (GRCh38, 1-based): chr14:64,190,230, G>A. VCF-style: chr14-64190230-G-A. GRCh37 (hg19) VCF-style: chr14-64656948-G-A.
Other names: c.18031G>A, p.Gly6011Arg (NM_015180.6); c.18031G>A (NM_182914.2); short protein forms G6011R.
Identifiers: ClinVar variation 1062892 (VCV001062892.12), dbSNP rs145257568, ClinGen allele CA7223897.

ClinVar aggregate classification (germline): Uncertain significance. Review status: criteria provided, multiple submitters, no conflicts (2 of 4 stars). 3 submissions from 3 submitters: Uncertain significance (3). Last evaluated 2025-09-09.

Conditions:
Emery-Dreifuss muscular dystrophy 5, autosomal dominant (EDMD5). Also called: EMERY-DREIFUSS MUSCULAR DYSTROPHY 5. Identifiers: Orphanet 261, MedGen C2751805, MONDO:0013072, OMIM 612999.

Allele frequency attached by ClinVar (database versions not stated): gnomAD 0.00001; gnomAD exomes 0.00001; TOPMed 0.00001; ExAC 0.00002; ESP Exome Variant Server 0.00008.
gnomAD v4.1: 22 of 1,613,774 alleles (0.0014%); highest among the groups gnomAD compares: East Asian, 0.0067%; no homozygotes.

Submissions (3):

Ambry Genetics
Classification: Uncertain significance. Last evaluated: 2025-09-09. Review status: criteria provided, single submitter. Criteria: Ambry Variant Classification Scheme 2023. Collection method: clinical testing. Allele origin: germline.

Labcorp Genetics (formerly Invitae), Labcorp
Classification: Uncertain significance for Emery-Dreifuss muscular dystrophy 5, autosomal dominant. Last evaluated: 2024-07-01. Review status: criteria provided, single submitter. Criteria: Invitae Variant Classification Sherloc (09022015). Collection method: clinical testing. Allele origin: germline.
Comment: This sequence change replaces glycine, which is neutral and non-polar, with arginine, which is basic and polar, at codon 6011 of the SYNE2 protein (p.Gly6011Arg). This variant is present in population databases (rs145257568, gnomAD 0.01%). This variant has not been reported in the literature in individuals affected with SYNE2-related conditions. ClinVar contains an entry for this variant (Variation ID: 1062892). An algorithm developed to predict the effect of missense changes on protein structure and function (PolyPhen-2) suggests that this variant is likely to be disruptive. In summary, the available evidence is currently insufficient to determine the role of this variant in disease. Therefore, it has been classified as a Variant of Uncertain Significance.

Revvity Omics, Revvity
Classification: Uncertain significance for Emery-Dreifuss muscular dystrophy 5, autosomal dominant. Last evaluated: 2019-04-17. Review status: criteria provided, single submitter. Criteria: ACMG Guidelines, 2015. Collection method: clinical testing. Allele origin: germline.